The following is an entry in ClinVar:

ClinVar aggregate classification (germline): Uncertain significance (1 of 4 stars; one submission).

Submission:

Women's Health and Genetics/Laboratory Corporation of America, LabCorp
Classification: Uncertain significance. Last evaluated: 2026-03-24. Review status: criteria provided, single submitter. Criteria: LabCorp Variant Classification Summary - May 2015. Collection method: clinical testing. Allele origin: germline.
Comment: Variant summary: NDUFAF5 c.933T>G (p.Tyr311X) results in a premature termination codon in the pentultimate exon, predicted to cause a truncation of the encoded protein, however, nonsense mediated decay is not expected to occur. The variant was absent in 251258 control chromosomes. The available data on variant occurrences in the general population are insufficient to allow any conclusion about variant significance. To our knowledge, no occurrence of c.933T>G in individuals affected with NDUFAF5-related conditions and no experimental evidence demonstrating its impact on protein function have been reported. No submitters have cited clinical-significance assessments for this variant to ClinVar. Based on the evidence outlined above, the variant was classified as uncertain significance.

NM_024120.5(NDUFAF5):c.933T>G (p.Tyr311Ter)

Gene: NDUFAF5 (NADH:ubiquinone oxidoreductase complex assembly factor 5; plus strand). Cytogenetic location: 20p12.1.
Variant type: single nucleotide variant.
Coding change: c.933T>G on transcript NM_024120.5 (MANE Select); coding-DNA position 933, T replaced by G.
Protein change: p.Tyr311Ter; replaces tyrosine 311 with a stop codon.
Molecular consequence: nonsense. On other transcripts: non-coding transcript variant (7).
Genome position (GRCh38, 1-based): chr20:13,816,945, T>G. VCF-style: chr20-13816945-T-G. GRCh37 (hg19) VCF-style: chr20-13797591-T-G.
Other names: c.849T>G, p.Tyr283Ter (NM_001039375.3); c.462T>G, p.Tyr154Ter (NM_001352403.2); c.372T>G, p.Tyr124Ter (NM_001352406.2, NM_001352407.2); short protein forms Y124*, Y154*, Y283*, Y311*.
Identifiers: ClinVar variation 4847723 (VCV004847723.1).